The following is an entry in ClinVar:

NM_022765.4(MICAL1):c.25C>A (p.Pro9Thr)

Gene: MICAL1 (microtubule associated monooxygenase, calponin and LIM domain containing 1; minus strand). Cytogenetic location: 6q21.
Variant type: single nucleotide variant.
Coding change: c.25C>A on transcript NM_022765.4 (MANE Select); coding-DNA position 25, C replaced by A.
Protein change: p.Pro9Thr; replaces proline 9 with threonine.
Molecular consequence: missense variant.
Genome position (GRCh38, 1-based): chr6:109,454,172, G>T on the plus strand (C>A on the coding strand, the complement: MICAL1 is on the minus strand). VCF-style: chr6-109454172-G-T. GRCh37 (hg19) VCF-style: chr6-109775375-G-T.
Other names: c.25C>A, p.Pro9Thr (NM_001159291.2); c.82C>A, p.Pro28Thr (NM_001286613.2); short protein forms P28T, P9T.
Identifiers: ClinVar variation 4735723 (VCV004735723.1).

ClinVar aggregate classification (germline): Uncertain significance (1 of 4 stars; one submission).

Submission:

Labcorp Genetics (formerly Invitae), Labcorp
Classification: Uncertain significance. Last evaluated: 2026-01-19. Review status: criteria provided, single submitter. Criteria: Invitae Variant Classification Sherloc (09022015). Collection method: clinical testing. Allele origin: germline.
Comment: This sequence change replaces proline, which is neutral and non-polar, with threonine, which is neutral and polar, at codon 28 of the MICAL1 protein (p.Pro28Thr). This variant is not present in population databases (gnomAD no frequency). This variant has not been reported in the literature in individuals affected with MICAL1-related conditions. An algorithm developed to predict the effect of missense changes on protein structure and function (PolyPhen-2) suggests that this variant is likely to be disruptive. In summary, the available evidence is currently insufficient to determine the role of this variant in disease. Therefore, it has been classified as a Variant of Uncertain Significance.